The following is an entry in ClinVar:

ClinVar aggregate classification (germline): Uncertain significance. Review status: criteria provided, multiple submitters, no conflicts (2 of 4 stars). 4 submissions from 4 submitters: Uncertain significance (4). Last evaluated 2025-04-28.

Conditions:
Hereditary spastic paraplegia 39 (SPG39). Also called: Spastic Paraplegia Type 39 (SPG39); SPASTIC PARAPLEGIA 39, AUTOSOMAL RECESSIVE. Identifiers: Orphanet 139480, MedGen C2677586, MONDO:0012787, OMIM 612020.
Hereditary spastic paraplegia. Also called: Familial spastic paraparesis. Identifiers: Orphanet 685, MedGen C0037773, MONDO:0019064. Disease mechanism: loss of function.
Inborn genetic diseases. Identifiers: MedGen C0950123, MeSH D030342.
Peripheral neuropathy. Also called: Neuropathy. Identifiers: MedGen C0031117, MONDO:0005244, HP:0009830.

Allele frequency attached by ClinVar (database versions not stated): TOPMed 0.00005; gnomAD 0.00007 and 0.00009; ESP Exome Variant Server 0.00015.
gnomAD v4.1: 80 of 1,608,224 alleles (0.005%); highest among the groups gnomAD compares: African/African-American, 0.012%; no homozygotes.

Submissions (4):

Labcorp Genetics (formerly Invitae), Labcorp
Classification: Uncertain significance for Hereditary spastic paraplegia 39. Last evaluated: 2025-04-28. Review status: criteria provided, single submitter. Criteria: Invitae Variant Classification Sherloc (09022015). Collection method: clinical testing. Allele origin: germline.
Comment: This sequence change replaces serine, which is neutral and polar, with leucine, which is neutral and non-polar, at codon 363 of the PNPLA6 protein (p.Ser363Leu). This variant is present in population databases (rs372193709, gnomAD 0.01%). This variant has not been reported in the literature in individuals affected with PNPLA6-related conditions. ClinVar contains an entry for this variant (Variation ID: 397619). Invitae Evidence Modeling of protein sequence and biophysical properties (such as structural, functional, and spatial information, amino acid conservation, physicochemical variation, residue mobility, and thermodynamic stability) indicates that this missense variant is not expected to disrupt PNPLA6 protein function with a negative predictive value of 80%. In summary, the available evidence is currently insufficient to determine the role of this variant in disease. Therefore, it has been classified as a Variant of Uncertain Significance.

Ambry Genetics
Classification: Uncertain significance for Inborn genetic diseases. Last evaluated: 2024-09-02. Review status: criteria provided, single submitter. Criteria: Ambry Variant Classification Scheme 2023. Collection method: clinical testing. Allele origin: germline.

Genome Diagnostics Laboratory, The Hospital for Sick Children
Classification: Uncertain significance for Hereditary spastic paraplegia. Last evaluated: 2017-01-25. Review status: criteria provided, single submitter. Criteria: ACMG Guidelines, 2015. Collection method: clinical testing. Allele origin: germline. Affected: yes.

Claritas Genomics
Classification: Uncertain significance for Peripheral neuropathy. Last evaluated: 2016-08-22. Review status: criteria provided, single submitter. Criteria: ACMG Guidelines, 2015. Collection method: clinical testing. Allele origin: germline. Affected: yes.

NM_001166114.2(PNPLA6):c.1205C>T (p.Ser402Leu)

Gene: PNPLA6 (patatin like domain 6, lysophospholipase; plus strand). Cytogenetic location: 19p13.2.
Variant type: single nucleotide variant.
Coding change: c.1205C>T on transcript NM_001166114.2 (MANE Select); coding-DNA position 1205, C replaced by T.
Protein change: p.Ser402Leu; replaces serine 402 with leucine.
Molecular consequence: missense variant.
Genome position (GRCh38, 1-based): chr19:7,542,020, C>T. VCF-style: chr19-7542020-C-T. GRCh37 (hg19) VCF-style: chr19-7606906-C-T.
Other names: c.1232C>T, p.Ser411Leu (NM_001166111.2); c.1088C>T, p.Ser363Leu (NM_001166112.2, NM_001166113.1, NM_006702.5); short protein forms S363L, S411L, S402L.
Identifiers: ClinVar variation 397619 (VCV000397619.15), dbSNP rs372193709, ClinGen allele CA9139712.